The following is an entry in ClinVar:

NM_001164508.2(NEB):c.21094G>C (p.Val7032Leu)

Gene: NEB (nebulin; minus strand). Cytogenetic location: 2q23.3.
Variant type: single nucleotide variant.
Coding change: c.21094G>C on transcript NM_001164508.2 (MANE Select); coding-DNA position 21094, G replaced by C.
Protein change: p.Val7032Leu; replaces valine 7032 with leucine.
Molecular consequence: missense variant.
Genome position (GRCh38, 1-based): chr2:151,537,880, C>G on the plus strand (G>C on the coding strand, the complement: NEB is on the minus strand). VCF-style: chr2-151537880-C-G. GRCh37 (hg19) VCF-style: chr2-152394394-C-G.
Other names: c.21094G>C, p.Val7032Leu (NM_001164507.2, NM_001271208.2); c.15991G>C, p.Val5331Leu (NM_004543.5); c.15991G>C (NM_004543.4); short protein forms V7032L, V5331L.
Identifiers: ClinVar variation 1948959 (VCV001948959.3), dbSNP rs2552150567, ClinGen allele CA348775652.

ClinVar aggregate classification (germline): Uncertain significance. Review status: criteria provided, multiple submitters, no conflicts (2 of 4 stars). 2 submissions from 2 submitters: Uncertain significance (2). Last evaluated 2025-08-24.

Conditions:
Inborn genetic diseases. Identifiers: MedGen C0950123, MeSH D030342.
Nemaline myopathy 2 (NEM2). Also called: Nemaline myopathy 2, autosomal recessive. Identifiers: MedGen C1850569, MONDO:0009725, OMIM 256030.

Submissions (2):

Ambry Genetics
Classification: Uncertain significance for Inborn genetic diseases. Last evaluated: 2025-08-24. Review status: criteria provided, single submitter. Criteria: Ambry Variant Classification Scheme 2023. Collection method: clinical testing. Allele origin: germline.

Labcorp Genetics (formerly Invitae), Labcorp
Classification: Uncertain significance for Nemaline myopathy 2. Last evaluated: 2021-12-23. Review status: criteria provided, single submitter. Criteria: Invitae Variant Classification Sherloc (09022015). Collection method: clinical testing. Allele origin: germline.
Comment: This sequence change replaces valine, which is neutral and non-polar, with leucine, which is neutral and non-polar, at codon 7032 of the NEB protein (p.Val7032Leu). This variant is not present in population databases (gnomAD no frequency). This variant has not been reported in the literature in individuals affected with NEB-related conditions. Algorithms developed to predict the effect of missense changes on protein structure and function are either unavailable or do not agree on the potential impact of this missense change (SIFT: "Deleterious"; PolyPhen-2: "Not Available"; Align-GVGD: "Class C0"). In summary, the available evidence is currently insufficient to determine the role of this variant in disease. Therefore, it has been classified as a Variant of Uncertain Significance.